The following is an entry in ClinVar:

NM_203486.3(DLL3):c.1078C>T (p.Gln360Ter)

Gene: DLL3 (delta like canonical Notch ligand 3; plus strand). Cytogenetic location: 19q13.2.
Variant type: single nucleotide variant.
Coding change: c.1078C>T on transcript NM_203486.3 (MANE Select); coding-DNA position 1078, C replaced by T.
Protein change: p.Gln360Ter; replaces glutamine 360 with a stop codon.
Molecular consequence: nonsense.
Genome position (GRCh38, 1-based): chr19:39,505,436, C>T. VCF-style: chr19-39505436-C-T. GRCh37 (hg19) VCF-style: chr19-39996076-C-T.
Other names: c.1078C>T, p.Gln360Ter (NM_016941.4); short protein forms Q360*.
Identifiers: ClinVar variation 3020631 (VCV003020631.3), dbSNP rs2514646860, ClinGen allele CA405799511.

ClinVar aggregate classification (germline): Pathogenic (1 of 4 stars; one submission).

Submission:

Labcorp Genetics (formerly Invitae), Labcorp
Classification: Pathogenic. Last evaluated: 2024-03-13. Review status: criteria provided, single submitter. Criteria: Invitae Variant Classification Sherloc (09022015). Collection method: clinical testing. Allele origin: germline.
Comment: This sequence change creates a premature translational stop signal (p.Gln360*) in the DLL3 gene. It is expected to result in an absent or disrupted protein product. Loss-of-function variants in DLL3 are known to be pathogenic (PMID: 12746394). This variant is not present in population databases (gnomAD no frequency). This variant has not been reported in the literature in individuals affected with DLL3-related conditions. For these reasons, this variant has been classified as Pathogenic.

Literature cited by the submitters: PubMed 12746394.